The following is an entry in ClinVar:

NM_000815.5(GABRD):c.1136G>C (p.Arg379Pro)

Gene: GABRD (gamma-aminobutyric acid type A receptor subunit delta; plus strand). Cytogenetic location: 1p36.33.
Variant type: single nucleotide variant.
Coding change: c.1136G>C on transcript NM_000815.5 (MANE Select); coding-DNA position 1136, G replaced by C.
Protein change: p.Arg379Pro; replaces arginine 379 with proline.
Molecular consequence: missense variant.
Genome position (GRCh38, 1-based): chr1:2,030,059, G>C. VCF-style: chr1-2030059-G-C. GRCh37 (hg19) VCF-style: chr1-1961498-G-C.
Other names: c.1136G>C (NM_000815.4); short protein forms R379P.
Identifiers: ClinVar variation 1904276 (VCV001904276.6), dbSNP rs369490217, ClinGen allele CA534921.

ClinVar aggregate classification (germline): Uncertain significance. Review status: criteria provided, multiple submitters, no conflicts (2 of 4 stars). 2 submissions from 2 submitters: Uncertain significance (2). Last evaluated 2024-11-15.

Conditions:
Idiopathic generalized epilepsy. Also called: Generalised epilepsy; EIG. Identifiers: MedGen C0270850, MONDO:0005579, OMIM 600669.
Inborn genetic diseases. Identifiers: MedGen C0950123, MeSH D030342.

Allele frequency attached by ClinVar (database versions not stated): ESP Exome Variant Server 0.00008.
gnomAD v4.1: 13 of 1,611,340 alleles (0.00081%); highest among the groups gnomAD compares: Non-Finnish European, 0.0011%; no homozygotes.

Submissions (2):

Labcorp Genetics (formerly Invitae), Labcorp
Classification: Uncertain significance for Idiopathic generalized epilepsy. Last evaluated: 2024-11-15. Review status: criteria provided, single submitter. Criteria: Invitae Variant Classification Sherloc (09022015). Collection method: clinical testing. Allele origin: germline.
Comment: This sequence change replaces arginine, which is basic and polar, with proline, which is neutral and non-polar, at codon 379 of the GABRD protein (p.Arg379Pro). This variant is present in population databases (rs369490217, gnomAD 0.002%). This variant has not been reported in the literature in individuals affected with GABRD-related conditions. ClinVar contains an entry for this variant (Variation ID: 1904276). An algorithm developed to predict the effect of missense changes on protein structure and function (PolyPhen-2) suggests that this variant is likely to be tolerated. In summary, the available evidence is currently insufficient to determine the role of this variant in disease. Therefore, it has been classified as a Variant of Uncertain Significance.

Ambry Genetics
Classification: Uncertain significance for Inborn genetic diseases. Last evaluated: 2024-04-08. Review status: criteria provided, single submitter. Criteria: Ambry Variant Classification Scheme 2023. Collection method: clinical testing. Allele origin: germline.